The following is an entry in ClinVar:

NM_004415.4(DSP):c.384G>A (p.Met128Ile)

Gene: DSP (desmoplakin; plus strand). Cytogenetic location: 6p24.3.
Variant type: single nucleotide variant.
Coding change: c.384G>A on transcript NM_004415.4 (MANE Select); coding-DNA position 384, G replaced by A.
Protein change: p.Met128Ile; replaces methionine 128 with isoleucine.
Molecular consequence: missense variant.
Genome position (GRCh38, 1-based): chr6:7,558,226, G>A. VCF-style: chr6-7558226-G-A. GRCh37 (hg19) VCF-style: chr6-7558459-G-A.
Other names: c.384G>A (LRG_423t1); c.384G>A, p.Met128Ile (NM_001008844.3, NM_001319034.2); short protein forms M128I.
Identifiers: ClinVar variation 422191 (VCV000422191.12), dbSNP rs930440897, ClinGen allele CA16618310.
Genomic context (GRCh38, chr6:7,558,226, plus strand): 5'-TGAGTGTTTTGCCCAGGCCAATGACCAAATGGAAATCCTCGACAGCTTGATCAGAGAGAT[G>A]CGGCAGATGGGCCAGCCCTGTGATGCTTACCAGAAAAGGTATTGTCCACAGAGCATGGAT-3'
Protein context (NP_004406.2, residues 118-138): MEILDSLIRE[Met128Ile]RQMGQPCDAY

ClinVar aggregate classification (germline): Uncertain significance. Review status: criteria provided, multiple submitters, no conflicts (2 of 4 stars). 5 submissions from 5 submitters: Uncertain significance (5). Last evaluated 2025-08-18.

Conditions:
Arrhythmogenic cardiomyopathy with wooly hair and keratoderma. Also called: Carvajal syndrome; Dilated cardiomyopathy with woolly hair and keratoderma; Arrhythmogenic cardiomyopathy with woolly hair and keratoderma; PALMOPLANTAR KERATODERMA WITH LEFT VENTRICULAR CARDIOMYOPATHY AND WOOLLY HAIR. Identifiers: Orphanet 65282, MedGen C1854063, MONDO:0011581, OMIM 605676.
Arrhythmogenic right ventricular dysplasia 8 (ARVD8). Also called: ARRHYTHMOGENIC RIGHT VENTRICULAR DYSPLASIA, FAMILIAL, 8; ARRHYTHMOGENIC RIGHT VENTRICULAR CARDIOMYOPATHY 8; Arrhythmogenic Right Ventricular Dysplasia/Cardiomyopathy 8. Identifiers: MedGen C1843896, MONDO:0011831, OMIM 607450.
Cardiovascular phenotype. Identifiers: MedGen CN230736.
Cardiomyopathy, dilated, with wooly hair, keratoderma, and tooth agenesis. Also called: Erythrokeratodermia-cardiomyopathy syndrome; Cardiomyopathy, dilated, with woolly hair, keratoderma, and tooth agenesis. Identifiers: Orphanet 476096, Orphanet 65282, MedGen C4014393, MONDO:0014355, OMIM 615821.
Lethal acantholytic epidermolysis bullosa (EBLA). Identifiers: Orphanet 158687, MedGen C1864826, MONDO:0012323, OMIM 609638.
Keratosis palmoplantaris striata 2. Also called: KERATODERMA, PALMOPLANTAR, STRIATE FORM II; STRIATE PALMOPLANTAR KERATODERMA II; Keratosis palmoplantaris striata II. Identifiers: MedGen C1852127, MONDO:0013034, OMIM 612908.

Allele frequency attached by ClinVar (database versions not stated): gnomAD exomes below 0.00001; gnomAD 0.00002; TOPMed 0.00002.

Submissions (5):

Ambry Genetics
Classification: Uncertain significance for Cardiovascular phenotype. Last evaluated: 2025-08-18. Review status: criteria provided, single submitter. Criteria: Ambry Variant Classification Scheme 2023. Collection method: clinical testing. Allele origin: germline.
Comment: The p.M128I variant (also known as c.384G>A), located in coding exon 3 of the DSP gene, results from a G to A substitution at nucleotide position 384. The methionine at codon 128 is replaced by isoleucine, an amino acid with highly similar properties. This amino acid position is highly conserved in available vertebrate species. In addition, the in silico prediction for this alteration is inconclusive. Since supporting evidence is limited at this time, the clinical significance of this alteration remains unclear.

Labcorp Genetics (formerly Invitae), Labcorp
Classification: Uncertain significance for Arrhythmogenic cardiomyopathy with wooly hair and keratoderma; Arrhythmogenic right ventricular dysplasia 8. Last evaluated: 2025-02-06. Review status: criteria provided, single submitter. Criteria: Invitae Variant Classification Sherloc (09022015). Collection method: clinical testing. Allele origin: germline.
Comment: This sequence change replaces methionine, which is neutral and non-polar, with isoleucine, which is neutral and non-polar, at codon 128 of the DSP protein (p.Met128Ile). The frequency data for this variant in the population databases is considered unreliable, as metrics indicate poor data quality at this position in the gnomAD database. This variant has not been reported in the literature in individuals affected with DSP-related conditions. ClinVar contains an entry for this variant (Variation ID: 422191). An algorithm developed to predict the effect of missense changes on protein structure and function (PolyPhen-2) suggests that this variant is likely to be tolerated. In summary, the available evidence is currently insufficient to determine the role of this variant in disease. Therefore, it has been classified as a Variant of Uncertain Significance.

Fulgent Genetics
Classification: Uncertain significance for Arrhythmogenic cardiomyopathy with wooly hair and keratoderma; Arrhythmogenic right ventricular dysplasia 8; Lethal acantholytic epidermolysis bullosa; Keratosis palmoplantaris striata 2; Cardiomyopathy, dilated, with wooly hair, keratoderma, and tooth agenesis. Last evaluated: 2024-05-05. Review status: criteria provided, single submitter. Criteria: ACMG Guidelines, 2015. Collection method: clinical testing. Allele origin: germline.

Women's Health and Genetics/Laboratory Corporation of America, LabCorp
Classification: Uncertain significance. Last evaluated: 2020-01-13. Review status: criteria provided, single submitter. Criteria: LabCorp Variant Classification Summary - May 2015. Collection method: clinical testing. Allele origin: germline.
Comment: Variant summary: DSP c.384G>A (p.Met128Ile) results in a conservative amino acid change in the encoded protein sequence. Four of five in-silico tools predict a benign effect of the variant on protein function. The variant allele was found at a frequency of 3.2e-05 in 31404 control chromosomes (1/8714 allele in the African subpopulation; gnomAD, genomes dataset). The available data on variant occurrences in the general population are insufficient to allow any conclusion about variant significance. To our knowledge, no occurrence of c.384G>A in individuals affected with Cardiomyopathy and no experimental evidence demonstrating its impact on protein function have been reported. One clinical diagnostic laboratory has submitted clinical-significance assessments for this variant to ClinVar after 2014 without evidence for independent evaluation, and classified the variant as uncertain significance. Based on the evidence outlined above, the variant was classified as uncertain significance.

GeneDx
Classification: Uncertain significance. Last evaluated: 2016-09-08. Review status: criteria provided, single submitter. Criteria: GeneDx Variant Classification (06012015). Collection method: clinical testing. Allele origin: germline. Affected: yes.
Comment: The M128I variant of uncertain significance in the DSP gene has not been published as a pathogenic variant, nor hasit been reported as a benign variant to our knowledge. M128I was not observed in approximately 6,500 individuals ofEuropean and African American ancestry in the NHLBI Exome Sequencing Project, indicating it is not a commonbenign variant in these populations. The M128I variant is a conservative amino acid substitution, which is not likelyto impact secondary protein structure as these residues share similar properties. However, this substitution occurs at aposition that is conserved across species. Consequently, in silico analysis is inconsistent in its predictions as towhether or not the variant is damaging to the protein structure/function.Therefore, based on the currently available information, it is unclear whether this variant is pathogenic or rare benign.